The following is an entry in ClinVar:

NM_001369.3(DNAH5):c.3669A>T (p.Lys1223Asn)

Genes: DNAH5 (dynein axonemal heavy chain 5; minus strand), DNAH5-AS1 (DNAH5 antisense RNA 1; plus strand). Cytogenetic location: 5p15.2.
Variant type: single nucleotide variant.
Coding change: c.3669A>T on transcript NM_001369.3 (MANE Select); coding-DNA position 3669, A replaced by T.
Protein change: p.Lys1223Asn; replaces lysine 1223 with asparagine.
Molecular consequence: missense variant.
Genome position (GRCh38, 1-based): chr5:13,870,932, T>A on the plus strand (A>T on the coding strand, the complement: DNAH5 is on the minus strand). VCF-style: chr5-13870932-T-A. GRCh37 (hg19) VCF-style: chr5-13871041-T-A.
Other names: short protein forms K1223N.
Identifiers: ClinVar variation 2414410 (VCV002414410.11), dbSNP rs2546996368, ClinGen allele CA359232140.

ClinVar aggregate classification (germline): Uncertain significance (1 of 4 stars; one submission).

Conditions:
Primary ciliary dyskinesia. Also called: Ciliary dyskinesia. Identifiers: Orphanet 244, MedGen C0008780, MONDO:0016575, HP:0012265.

Submission:

Labcorp Genetics (formerly Invitae), Labcorp
Classification: Uncertain significance for Primary ciliary dyskinesia. Last evaluated: 2022-05-09. Review status: criteria provided, single submitter. Criteria: Invitae Variant Classification Sherloc (09022015). Collection method: clinical testing. Allele origin: germline.
Comment: This sequence change replaces lysine, which is basic and polar, with asparagine, which is neutral and polar, at codon 1223 of the DNAH5 protein (p.Lys1223Asn). This variant is not present in population databases (gnomAD no frequency). This variant has not been reported in the literature in individuals affected with DNAH5-related conditions. Advanced modeling of protein sequence and biophysical properties (such as structural, functional, and spatial information, amino acid conservation, physicochemical variation, residue mobility, and thermodynamic stability) performed at Invitae indicates that this missense variant is not expected to disrupt DNAH5 protein function. In summary, the available evidence is currently insufficient to determine the role of this variant in disease. Therefore, it has been classified as a Variant of Uncertain Significance.